The following is an entry in ClinVar:

NM_014808.4(FARP2):c.3159G>A (p.Glu1053=)

Genes: FARP2 (FERM, ARH/RhoGEF and pleckstrin domain protein 2; plus strand), STK25 (serine/threonine kinase 25; minus strand). Cytogenetic location: 2q37.3.
Variant type: single nucleotide variant.
Coding change: c.3159G>A on transcript NM_014808.4 (MANE Select); coding-DNA position 3159, G replaced by A.
Protein change: p.Glu1053=; no amino-acid change (glutamic acid 1053 retained).
Molecular consequence: synonymous variant. On other transcripts: 3 prime UTR variant (8).
Genome position (GRCh38, 1-based): chr2:241,494,119, G>A. VCF-style: chr2-241494119-G-A. GRCh37 (hg19) VCF-style: chr2-242433534-G-A.
Other names: c.*1543C>T (NM_001271977.2, NM_001271978.2, NM_001271979.2 and 5 more transcripts).
Identifiers: ClinVar variation 2652114 (VCV002652114.24), dbSNP rs145352184, ClinGen allele CA2219008.

ClinVar aggregate classification (germline): Likely benign (1 of 4 stars; one submission).

Allele frequency attached by ClinVar (database versions not stated): gnomAD exomes 0.00031; ESP Exome Variant Server 0.00046; gnomAD 0.00046; ExAC 0.00051; TOPMed 0.00052.
gnomAD v4.1: 519 of 1,476,146 alleles (0.035%); highest among the groups gnomAD compares: Non-Finnish European, 0.0059%; 4 homozygotes.

Submission:

CeGaT Center for Human Genetics Tuebingen
Classification: Likely benign. Last evaluated: 2023-03-01. Review status: criteria provided, single submitter. Criteria: CeGaT Center For Human Genetics Tuebingen Variant Classification Criteria Version 2. Collection method: clinical testing. Allele origin: germline. Affected: yes. Observed: 1 variant allele.
Comment: FARP2: BP4, BP7